The following is an entry in ClinVar:

NM_018006.5(TRMU):c.11T>C (p.Leu4Ser)

Gene: TRMU (tRNA mitochondrial 2-thiouridylase; plus strand). Cytogenetic location: 22q13.31.
Variant type: single nucleotide variant.
Coding change: c.11T>C on transcript NM_018006.5 (MANE Select); coding-DNA position 11, T replaced by C.
Protein change: p.Leu4Ser; replaces leucine 4 with serine.
Molecular consequence: missense variant. On other transcripts: 5 prime UTR variant (3), non-coding transcript variant (2).
Genome position (GRCh38, 1-based): chr22:46,335,775, T>C. VCF-style: chr22-46335775-T-C. GRCh37 (hg19) VCF-style: chr22-46731672-T-C.
Other names: c.11T>C, p.Leu4Ser (NM_001008568.2, NM_001008570.2, NM_001282785.2); c.-225T>C (NM_001282782.2); c.-244T>C (NM_001282783.2, NM_001282784.2); short protein forms L4S.
Identifiers: ClinVar variation 2633537 (VCV002633537.1), dbSNP rs1353951169, ClinGen allele CA411938852.
Genomic context (GRCh38, chr22:46,335,775, plus strand): 5'-AGGCGCGGAAGCGGCGGTAGCTGCAGCTGGCGAAGTTGGGCGACTGGCGGATGCAGGCCT[T>C]GCGGCACGTCGTGTGCGCCCTGTCCGGCGGCGTGGACAGCGCCGTGGCCGCGCTGCTGCT-3'
Protein context (NP_060476.2, residues 1-14): MQA[Leu4Ser]RHVVCALSGG

ClinVar aggregate classification (germline): Uncertain significance (1 of 4 stars; one submission).

Conditions:
TRMU-related disorder. Also called: TRMU-related condition.

gnomAD v4.1: 6 of 1,552,928 alleles (0.00039%); highest among the groups gnomAD compares: Non-Finnish European, 0.00052%; no homozygotes.

Submission:

PreventionGenetics, part of Exact Sciences
Classification: Uncertain significance for TRMU-related condition. Last evaluated: 2023-04-14. Review status: criteria provided, single submitter. Criteria: ACMG Guidelines, 2015. Collection method: clinical testing. Allele origin: germline.
Comment: The TRMU c.11T>C variant is predicted to result in the amino acid substitution p.Leu4Ser. To our knowledge, this variant has not been reported in the literature. This variant is reported in 0.0017% of alleles in individuals of European (Non-Finnish) descent in gnomAD. At this time, the clinical significance of this variant is uncertain due to the absence of conclusive functional and genetic evidence.